The following is an entry in ClinVar:

ClinVar aggregate classification (germline): Pathogenic (1 of 4 stars; one submission).

Submission:

Labcorp Genetics (formerly Invitae), Labcorp
Classification: Pathogenic. Last evaluated: 2023-09-04. Review status: criteria provided, single submitter. Criteria: Invitae Variant Classification Sherloc (09022015). Collection method: clinical testing. Allele origin: germline.
Comment: For these reasons, this variant has been classified as Pathogenic. This variant has not been reported in the literature in individuals affected with FAT1-related conditions. This variant is not present in population databases (gnomAD no frequency). This sequence change creates a premature translational stop signal (p.Gln1537Profs*21) in the FAT1 gene. It is expected to result in an absent or disrupted protein product. Loss-of-function variants in FAT1 are known to be pathogenic (PMID: 30862798).

Literature cited by the submitters: PubMed 30862798.

NM_005245.4(FAT1):c.4609dup (p.Gln1537fs)

Gene: FAT1 (FAT atypical cadherin 1; minus strand). Cytogenetic location: 4q35.2.
Variant type: Duplication.
Coding change: c.4609dup on transcript NM_005245.4 (MANE Select); coding-DNA position 4609, one base duplicated (C; older notation c.4609dupC).
Protein change: p.Gln1537fs; shifts the reading frame from glutamine 1537.
Molecular consequence: frameshift variant.
Genome position (GRCh38, 1-based): chr4:186,628,355, G duplicated on the plus strand (C on the coding strand, the reverse complement: FAT1 is on the minus strand). VCF-style (leftmost placement, unchanged base first): chr4-186628354-T-TG. GRCh37 (hg19) VCF-style: chr4-187549508-T-TG.
Other names: short protein forms Q1537fs.
Identifiers: ClinVar variation 2745261 (VCV002745261.3), dbSNP rs2477573063, ClinGen allele CA2578251158.
Genomic context (GRCh38, chr4:186,628,354, plus strand): 5'-TCATTCGTGTCGCTGACATTGACCACAATCCTTGCAAAGTTGCGTTTTACAGGCACATCT[T>TG]GATCTCGTACCTAAAAAGAATTGACACATTATCAATCCCATTGGTGCTTTCCTTATAACT-3'